The following is an entry in ClinVar:

NM_014915.3(ANKRD26):c.193A>G (p.Ile65Val)

Gene: ANKRD26 (ankyrin repeat domain containing 26; minus strand). Cytogenetic location: 10p12.1.
Variant type: single nucleotide variant.
Coding change: c.193A>G on transcript NM_014915.3 (MANE Select); coding-DNA position 193, A replaced by G.
Protein change: p.Ile65Val; replaces isoleucine 65 with valine.
Molecular consequence: missense variant.
Genome position (GRCh38, 1-based): chr10:27,100,134, T>C on the plus strand (A>G on the coding strand, the complement: ANKRD26 is on the minus strand). VCF-style: chr10-27100134-T-C. GRCh37 (hg19) VCF-style: chr10-27389063-T-C.
Other names: c.193A>G, p.Ile65Val (NM_001256053.2); short protein forms I65V.
Identifiers: ClinVar variation 4103359 (VCV004103359.1).

ClinVar aggregate classification (germline): Uncertain significance (1 of 4 stars; one submission).

Conditions:
Inborn genetic diseases. Identifiers: MedGen C0950123, MeSH D030342.

Submission:

Ambry Genetics
Classification: Uncertain significance for Inborn genetic diseases. Last evaluated: 2025-07-07. Review status: criteria provided, single submitter. Criteria: Ambry Variant Classification Scheme 2023. Collection method: clinical testing. Allele origin: germline.
Comment: The p.I65V variant (also known as c.193A>G), located in coding exon 1 of the ANKRD26 gene, results from an A to G substitution at nucleotide position 193. The isoleucine at codon 65 is replaced by valine, an amino acid with highly similar properties. This amino acid position is conserved. In addition, this alteration is predicted to be tolerated by in silico analysis. Based on the available evidence, the clinical significance of this variant remains unclear.